The following is an entry in ClinVar:

ClinVar aggregate classification (germline): Conflicting classifications of pathogenicity. Review status: criteria provided, conflicting classifications (1 of 4 stars). 4 submissions from 4 submitters: Uncertain significance (2); Likely benign (1). 1 of the submissions does not count toward it. Last evaluated 2025-08-02.

Conditions:
KCNAB2-related disorder. Also called: KCNAB2-related condition.

Allele frequency attached by ClinVar (database versions not stated): gnomAD exomes 0.00022 and 0.00073; ExAC 0.00076; gnomAD 0.00269 and 0.00285; ESP Exome Variant Server 0.00277; TOPMed 0.00323; 1000 Genomes Project 0.00419; 1000 Genomes Project 30x 0.00422.
gnomAD v4.1: 774 of 1,613,970 alleles (0.048%); highest among the groups gnomAD compares: African/African-American, 0.79%; 1 homozygote.

Submissions (4):

Ambry Genetics
Classification: Uncertain significance. Last evaluated: 2025-08-02. Review status: criteria provided, single submitter. Criteria: Ambry Variant Classification Scheme 2023. Collection method: clinical testing. Allele origin: germline.

Labcorp Genetics (formerly Invitae), Labcorp
Classification: Likely benign. Last evaluated: 2019-12-31. Review status: criteria provided, single submitter. Criteria: Invitae Variant Classification Sherloc (09022015). Collection method: clinical testing. Allele origin: germline.

Genomic Diagnostic Laboratory, Division of Genomic Diagnostics, Children's Hospital of Philadelphia
Classification: Uncertain significance. Last evaluated: 2015-04-14. Review status: criteria provided, single submitter. Criteria: DGD Variant Analysis Guidelines. Collection method: clinical testing. Allele origin: unknown.

PreventionGenetics, part of Exact Sciences
Classification: Benign for KCNAB2-related condition. Last evaluated: 2019-08-28. Review status: no assertion criteria provided. Collection method: clinical testing. Allele origin: germline. Not counted in ClinVar's aggregate classification.
Comment: This variant is classified as benign based on ACMG/AMP sequence variant interpretation guidelines (Richards et al. 2015 PMID: 25741868, with internal and published modifications).

NM_001199862.2(KCNAB2):c.1183A>G (p.Ile395Val)

Gene: KCNAB2 (potassium voltage-gated channel subfamily A regulatory beta subunit 2; plus strand). Cytogenetic location: 1p36.31.
Variant type: single nucleotide variant.
Coding change: c.1183A>G on transcript NM_001199862.2 (MANE Select); coding-DNA position 1183, A replaced by G.
Protein change: p.Ile395Val; replaces isoleucine 395 with valine.
Molecular consequence: missense variant.
Genome position (GRCh38, 1-based): chr1:6,098,509, A>G. VCF-style: chr1-6098509-A-G. GRCh37 (hg19) VCF-style: chr1-6158569-A-G.
Other names: c.1039A>G, p.Ile347Val (NM_001199860.2, NM_001199861.2, NM_003636.4); c.838A>G, p.Ile280Val (NM_001199863.2); c.997A>G, p.Ile333Val (NM_172130.3); c.1183A>G (NM_001199862.1); short protein forms I347V, I280V, I395V, I333V.
Identifiers: ClinVar variation 218544 (VCV000218544.8), dbSNP rs146277144, ClinGen allele CA249277.